The following is an entry in ClinVar:

NM_004991.4(MECOM):c.1820G>A (p.Ser607Asn)

Gene: MECOM (MDS1 and EVI1 complex locus; minus strand). Cytogenetic location: 3q26.2.
Variant type: single nucleotide variant.
Coding change: c.1820G>A on transcript NM_004991.4 (MANE Select); coding-DNA position 1820, G replaced by A.
Protein change: p.Ser607Asn; replaces serine 607 with asparagine.
Molecular consequence: missense variant. On other transcripts: intron variant (2).
Genome position (GRCh38, 1-based): chr3:169,116,052, C>T on the plus strand (G>A on the coding strand, the complement: MECOM is on the minus strand). VCF-style: chr3-169116052-C-T. GRCh37 (hg19) VCF-style: chr3-168833840-C-T.
Other names: c.1451G>A, p.Ser484Asn (NM_001105077.4); c.1256G>A, p.Ser419Asn (NM_001105078.4, NM_001164000.2, NM_001205194.2 and 4 more transcripts); c.1259G>A, p.Ser420Asn (NM_001163999.2, NM_001366467.2, NM_001366468.2 and 1 more transcripts); c.1820G>A, p.Ser607Asn (NM_001366466.2); c.1133-285G>A (NM_001366473.2); c.569-285G>A (NM_001366474.2); short protein forms S420N, S419N, S484N, S607N.
Identifiers: ClinVar variation 4053167 (VCV004053167.1).

ClinVar aggregate classification (germline): Uncertain significance (1 of 4 stars; one submission).

Conditions:
Inborn genetic diseases. Identifiers: MedGen C0950123, MeSH D030342.

gnomAD v4.1: 4 of 1,614,152 alleles (0.00025%); highest among the groups gnomAD compares: Non-Finnish European, 0.00034%; no homozygotes.

Submission:

Ambry Genetics
Classification: Uncertain significance for Inborn genetic diseases. Last evaluated: 2025-04-10. Review status: criteria provided, single submitter. Criteria: Ambry Variant Classification Scheme 2023. Collection method: clinical testing. Allele origin: germline.
Comment: The p.S607N variant (also known as c.1820G>A), located in coding exon 8 of the MECOM gene, results from a G to A substitution at nucleotide position 1820. The serine at codon 607 is replaced by asparagine, an amino acid with highly similar properties. This amino acid position is conserved. In addition, this alteration is predicted to be tolerated by in silico analysis. Based on the available evidence, the clinical significance of this variant remains unclear.